The following is an entry in ClinVar:

NM_012108.4(STAP1):c.464G>T (p.Ser155Ile)

Gene: STAP1 (signal transducing adaptor family member 1; plus strand). Cytogenetic location: 4q13.2.
Variant type: single nucleotide variant.
Coding change: c.464G>T on transcript NM_012108.4 (MANE Select); coding-DNA position 464, G replaced by T.
Protein change: p.Ser155Ile; replaces serine 155 with isoleucine.
Molecular consequence: missense variant.
Genome position (GRCh38, 1-based): chr4:67,581,405, G>T. VCF-style: chr4-67581405-G-T. GRCh37 (hg19) VCF-style: chr4-68447123-G-T.
Other names: c.464G>T, p.Ser155Ile (NM_001317769.2); short protein forms S155I.
Identifiers: ClinVar variation 3802139 (VCV003802139.1).

ClinVar aggregate classification (germline): Uncertain significance (1 of 4 stars; one submission).

gnomAD v4.1: 3 of 1,614,012 alleles (0.00019%); highest among the groups gnomAD compares: Non-Finnish European, 0.00025%; no homozygotes.

Submission:

Ambry Genetics
Classification: Uncertain significance. Last evaluated: 2024-12-20. Review status: criteria provided, single submitter. Criteria: Ambry Variant Classification Scheme 2023. Collection method: clinical testing. Allele origin: germline.
Comment: The p.S155I variant (also known as c.464G>T), located in coding exon 5 of the STAP1 gene, results from a G to T substitution at nucleotide position 464. The serine at codon 155 is replaced by isoleucine, an amino acid with dissimilar properties. This amino acid position is conserved. In addition, this alteration is predicted to be tolerated by in silico analysis. Based on the available evidence, the clinical significance of this variant remains unclear.